The following is an entry in ClinVar:

ClinVar aggregate classification (germline): Likely benign. Review status: criteria provided, multiple submitters, no conflicts (2 of 4 stars). 2 submissions from 2 submitters: Likely benign (2). Last evaluated 2025-05-08.

Conditions:
PPP1R21-related disorder. Also called: PPP1R21-related condition.

Allele frequency attached by ClinVar (database versions not stated): gnomAD exomes 0.00009 and 0.00029; ExAC 0.00031; 1000 Genomes Project 30x 0.00109; 1000 Genomes Project 0.00120; gnomAD 0.00129 and 0.00140; ESP Exome Variant Server 0.00131; TOPMed 0.00147.
gnomAD v4.1: 344 of 1,613,510 alleles (0.021%); highest among the groups gnomAD compares: African/African-American, 0.4%; no homozygotes.

Submissions (2):

PreventionGenetics, part of Exact Sciences
Classification: Likely benign for PPP1R21-related condition. Last evaluated: 2025-05-08. Review status: criteria provided, single submitter. Criteria: ACMG Guidelines, 2015. Collection method: clinical testing. Allele origin: germline.
Comment: This variant is classified as likely benign based on ACMG/AMP sequence variant interpretation guidelines (Richards et al. 2015 PMID: 25741868, with internal and published modifications).

Labcorp Genetics (formerly Invitae), Labcorp
Classification: Likely benign. Last evaluated: 2018-07-11. Review status: criteria provided, single submitter. Criteria: Invitae Variant Classification Sherloc (09022015). Collection method: clinical testing. Allele origin: germline.

NM_001135629.3(PPP1R21):c.1204A>G (p.Ile402Val)

Gene: PPP1R21 (protein phosphatase 1 regulatory subunit 21; plus strand). Cytogenetic location: 2p16.3.
Variant type: single nucleotide variant.
Coding change: c.1204A>G on transcript NM_001135629.3 (MANE Select); coding-DNA position 1204, A replaced by G.
Protein change: p.Ile402Val; replaces isoleucine 402 with valine.
Molecular consequence: missense variant. On other transcripts: non-coding transcript variant (1).
Genome position (GRCh38, 1-based): chr2:48,474,798, A>G. VCF-style: chr2-48474798-A-G. GRCh37 (hg19) VCF-style: chr2-48701937-A-G.
Other names: c.1204A>G, p.Ile402Val (NM_001193475.2, NM_152994.5); short protein forms I402V.
Identifiers: ClinVar variation 715561 (VCV000715561.4), dbSNP rs145162953, ClinGen allele CA1651190.
Genomic context (GRCh38, chr2:48,474,798, plus strand): 5'-CTAGAGCTGTCCCAGGACATGAAAAAAATGACAGCTGTGTTTGAGAAGCTGCAGACTTAC[A>G]TAGCTCTTCTTGCCTTGCCAAGTAAGTATGTTTGTTGCTTAGGGGTCAACTTCAAGGACT-3'
Protein context (NP_001129101.1, residues 392-412): TAVFEKLQTY[Ile402Val]ALLALPSTEP